The following is an entry in ClinVar:

NM_002397.5(MEF2C):c.100G>T (p.Glu34Ter)

Gene: MEF2C (myocyte enhancer factor 2C; minus strand). Cytogenetic location: 5q14.3.
Variant type: single nucleotide variant.
Coding change: c.100G>T on transcript NM_002397.5 (MANE Select); coding-DNA position 100, G replaced by T.
Protein change: p.Glu34Ter; replaces glutamic acid 34 with a stop codon.
Molecular consequence: nonsense.
Genome position (GRCh38, 1-based): chr5:88,804,756, C>A on the plus strand (G>T on the coding strand, the complement: MEF2C is on the minus strand). VCF-style: chr5-88804756-C-A. GRCh37 (hg19) VCF-style: chr5-88100573-C-A.
Other names: c.100G>T, p.Glu34Ter (NM_001131005.2, NM_001193347.1, NM_001193348.1 and 29 more transcripts); short protein forms E34*.
Identifiers: ClinVar variation 379358 (VCV000379358.2), dbSNP rs1057520584, ClinGen allele CA16604939.

ClinVar aggregate classification (germline): Pathogenic (1 of 4 stars; one submission).

Submission:

GeneDx
Classification: Pathogenic. Last evaluated: 2015-03-31. Review status: criteria provided, single submitter. Criteria: GeneDx Variant Classification (06012015). Collection method: clinical testing. Allele origin: germline. Affected: yes.
Comment: The E34X nonsense variant in the MEF2C gene has been reported previously in an individual with complexpartial seizures, severe intellectual disability, autistic features, and hypertonia (Zweier et al., 2010). E34X is predicted to cause loss of normal protein function either through protein truncation or non-sense mediated mRNA decay. Therefore we interpret this variant as pathogenic.